The following is an entry in ClinVar:

ClinVar aggregate classification (germline): Uncertain significance. Review status: criteria provided, multiple submitters, no conflicts (2 of 4 stars). 4 submissions from 4 submitters: Uncertain significance (4). Last evaluated 2026-08-12.

Conditions:
Cardiovascular phenotype. Identifiers: MedGen CN230736.
Desmin-related myofibrillar myopathy (MFM1). Also called: Desminopathy; Myofibrillar myopathy 1; MYOFIBRILLAR MYOPATHY WITH ARRHYTHMOGENIC RIGHT VENTRICULAR CARDIOMYOPATHY; DESMIN-RELATED MYOPATHY WITH ARRHYTHMOGENIC RIGHT VENTRICULAR CARDIOMYOPATHY; Desmin related myopathy (former name); Desmin storage myopathy (former name). Identifiers: Orphanet 363543, Orphanet 98909, MedGen C1832370, MONDO:0011076, OMIM 601419.

Allele frequency attached by ClinVar (database versions not stated): gnomAD exomes below 0.00001; gnomAD 0.00002; TOPMed 0.00001.
gnomAD v4.1: 4 of 1,562,320 alleles (0.00026%); highest among the groups gnomAD compares: Admixed American, 0.0077%; no homozygotes.

Submissions (4):

Ambry Genetics
Classification: Uncertain significance for Cardiovascular phenotype. Last evaluated: 2026-08-12. Review status: criteria provided, single submitter. Criteria: Ambry Variant Classification Scheme 2023. Collection method: clinical testing. Allele origin: germline.
Comment: The p.Q99E variant (also known as c.295C>G), located in coding exon 1 of the DES gene, results from a C to G substitution at nucleotide position 295. The glutamine at codon 99 is replaced by glutamic acid, an amino acid with highly similar properties. This amino acid position is well conserved in available vertebrate species. In addition, the in silico prediction for this alteration is inconclusive. Based on the available evidence, the clinical significance of this variant remains unclear.

Labcorp Genetics (formerly Invitae), Labcorp
Classification: Uncertain significance for Desmin-related myofibrillar myopathy. Last evaluated: 2024-06-28. Review status: criteria provided, single submitter. Criteria: Invitae Variant Classification Sherloc (09022015). Collection method: clinical testing. Allele origin: germline.
Comment: This sequence change replaces glutamine, which is neutral and polar, with glutamic acid, which is acidic and polar, at codon 99 of the DES protein (p.Gln99Glu). This variant is not present in population databases (gnomAD no frequency). This variant has not been reported in the literature in individuals affected with DES-related conditions. ClinVar contains an entry for this variant (Variation ID: 201718). Advanced modeling of protein sequence and biophysical properties (such as structural, functional, and spatial information, amino acid conservation, physicochemical variation, residue mobility, and thermodynamic stability) has been performed at Invitae for this missense variant, however the output from this modeling did not meet the statistical confidence thresholds required to predict the impact of this variant on DES protein function. In summary, the available evidence is currently insufficient to determine the role of this variant in disease. Therefore, it has been classified as a Variant of Uncertain Significance.

GeneDx
Classification: Uncertain significance. Last evaluated: 2022-08-29. Review status: criteria provided, single submitter. Criteria: GeneDx Variant Classification Process June 2021. Collection method: clinical testing. Allele origin: germline. Affected: yes.
Comment: Has not been previously published as pathogenic or benign to our knowledge; Not observed at significant frequency in large population cohorts (gnomAD); In silico analysis supports that this missense variant does not alter protein structure/function

Revvity Omics, Revvity
Classification: Uncertain significance. Last evaluated: 2019-09-18. Review status: criteria provided, single submitter. Criteria: ACMG Guidelines, 2015. Collection method: clinical testing. Allele origin: germline.

NM_001927.4(DES):c.295C>G (p.Gln99Glu)

Gene: DES (desmin; plus strand). Cytogenetic location: 2q35.
Variant type: single nucleotide variant.
Coding change: c.295C>G on transcript NM_001927.4 (MANE Select); coding-DNA position 295, C replaced by G.
Protein change: p.Gln99Glu; replaces glutamine 99 with glutamic acid.
Molecular consequence: missense variant.
Genome position (GRCh38, 1-based): chr2:219,418,757, C>G. VCF-style: chr2-219418757-C-G. GRCh37 (hg19) VCF-style: chr2-220283479-C-G.
Other names: p.Q99E:CAG>GAG; c.295C>G (LRG_380t1); short protein forms Q99E.
Identifiers: ClinVar variation 201718 (VCV000201718.14), dbSNP rs794728992, ClinGen allele CA308304.